The following is an entry in ClinVar:

NM_004698.4(PRPF3):c.1529C>G (p.Ala510Gly)

Gene: PRPF3 (pre-mRNA processing factor 3; plus strand). Cytogenetic location: 1q21.2.
Variant type: single nucleotide variant.
Coding change: c.1529C>G on transcript NM_004698.4 (MANE Select); coding-DNA position 1529, C replaced by G.
Protein change: p.Ala510Gly; replaces alanine 510 with glycine.
Molecular consequence: missense variant. On other transcripts: non-coding transcript variant (4).
Genome position (GRCh38, 1-based): chr1:150,344,436, C>G. VCF-style: chr1-150344436-C-G. GRCh37 (hg19) VCF-style: chr1-150316912-C-G.
Other names: c.1124C>G, p.Ala375Gly (NM_001350529.1); short protein forms A510G, A375G.
Identifiers: ClinVar variation 1928206 (VCV001928206.5), dbSNP rs781905935, ClinGen allele CA342282900.

ClinVar aggregate classification (germline): Uncertain significance (1 of 4 stars; one submission).

Allele frequency attached by ClinVar (database versions not stated): gnomAD 0.00001.
gnomAD v4.1: 5 of 1,614,014 alleles (0.00031%); highest among the groups gnomAD compares: Admixed American, 0.0083%; no homozygotes.

Submission:

Labcorp Genetics (formerly Invitae), Labcorp
Classification: Uncertain significance. Last evaluated: 2024-10-16. Review status: criteria provided, single submitter. Criteria: Invitae Variant Classification Sherloc (09022015). Collection method: clinical testing. Allele origin: germline.
Comment: This sequence change replaces alanine, which is neutral and non-polar, with glycine, which is neutral and non-polar, at codon 510 of the PRPF3 protein (p.Ala510Gly). The frequency data for this variant in the population databases is considered unreliable, as metrics indicate poor data quality at this position in the gnomAD database. This missense change has been observed in individual(s) with clinical features of retinitis pigmentosa (internal data). ClinVar contains an entry for this variant (Variation ID: 1928206). Invitae Evidence Modeling of protein sequence and biophysical properties (such as structural, functional, and spatial information, amino acid conservation, physicochemical variation, residue mobility, and thermodynamic stability) has been performed for this missense variant. However, the output from this modeling did not meet the statistical confidence thresholds required to predict the impact of this variant on PRPF3 protein function. In summary, the available evidence is currently insufficient to determine the role of this variant in disease. Therefore, it has been classified as a Variant of Uncertain Significance.